The following is an entry in ClinVar:

ClinVar aggregate classification (germline): Likely benign. Review status: criteria provided, multiple submitters, no conflicts (2 of 4 stars). 3 submissions from 3 submitters: Likely benign (3). Last evaluated 2026-01-28.

Conditions:
ITGA6-related disorder. Also called: ITGA6-related condition.
Junctional epidermolysis bullosa with pyloric atresia. Also called: APLASIA CUTIS CONGENITA WITH GASTROINTESTINAL ATRESIA; EPIDERMOLYSIS BULLOSA, JUNCTIONAL 5B, WITH PYLORIC ATRESIA; Epidermolysis bullosa, junctional, with pyloric atresia and aplasia cutis congenita; Epidermolysis bullosa junctionalis with pyloric atresia; Junctional Epidermolysis Bullosa- Pyloric Atresia Syndrome; EB-PA-ACC. Identifiers: Orphanet 79403, MedGen C5676875, MONDO:0009183, OMIM 226730.

Allele frequency attached by ClinVar (database versions not stated): gnomAD exomes 0.00013 and 0.00032; ExAC 0.00064; gnomAD 0.00131 and 0.00139; ESP Exome Variant Server 0.00162; TOPMed 0.00169; 1000 Genomes Project 0.00200; 1000 Genomes Project 30x 0.00203.
gnomAD v4.1: 411 of 1,594,758 alleles (0.026%); highest among the groups gnomAD compares: African/African-American, 0.48%; 1 homozygote.

Submissions (3):

Labcorp Genetics (formerly Invitae), Labcorp
Classification: Likely benign. Last evaluated: 2026-01-28. Review status: criteria provided, single submitter. Criteria: Invitae Variant Classification Sherloc (09022015). Collection method: clinical testing. Allele origin: germline.

PreventionGenetics, part of Exact Sciences
Classification: Likely benign for ITGA6-related condition. Last evaluated: 2025-09-08. Review status: criteria provided, single submitter. Criteria: ACMG Guidelines, 2015. Collection method: clinical testing. Allele origin: germline.
Comment: This variant is classified as likely benign based on ACMG/AMP sequence variant interpretation guidelines (Richards et al. 2015 PMID: 25741868, with internal and published modifications).

Illumina Laboratory Services, Illumina
Classification: Likely benign for Junctional epidermolysis bullosa with pyloric atresia. Last evaluated: 2018-01-12. Review status: criteria provided, single submitter. Criteria: ICSL Variant Classification Criteria 13 December 2019. Collection method: clinical testing. Allele origin: germline.
Comment: This variant was observed in the ICSL laboratory as part of a predisposition screen in an ostensibly healthy population. It had not been previously curated by ICSL or reported in the Human Gene Mutation Database (HGMD: prior to June 1st, 2018), and was therefore a candidate for classification through an automated scoring system. Utilizing variant allele frequency, disease prevalence and penetrance estimates, and inheritance mode, an automated score was calculated to assess if this variant is too frequent to cause the disease. Based on the score and internal cut-off values, a variant classified as likely benign is not then subjected to further curation. The score for this variant resulted in a classification of likely benign for this disease.

NM_000210.4(ITGA6):c.10G>A (p.Ala4Thr)

Gene: ITGA6 (integrin subunit alpha 6; plus strand). Cytogenetic location: 2q31.1.
Variant type: single nucleotide variant.
Coding change: c.10G>A on transcript NM_000210.4 (MANE Select); coding-DNA position 10, G replaced by A.
Protein change: p.Ala4Thr; replaces alanine 4 with threonine.
Molecular consequence: missense variant. On other transcripts: intron variant (1).
Genome position (GRCh38, 1-based): chr2:172,427,798, G>A. VCF-style: chr2-172427798-G-A. GRCh37 (hg19) VCF-style: chr2-173292526-G-A.
Other names: c.10G>A, p.Ala4Thr (NM_001079818.3, NM_001365529.2, NM_001365530.2); c.-161+328G>A (NM_001316306.2); short protein forms A4T.
Identifiers: ClinVar variation 332355 (VCV000332355.15), dbSNP rs201418157, ClinGen allele CA1967693.